The following is an entry in ClinVar:

ClinVar aggregate classification (germline): Pathogenic (1 of 4 stars; one submission).

Submission:

CeGaT Center for Human Genetics Tuebingen
Classification: Pathogenic. Last evaluated: 2024-02-01. Review status: criteria provided, single submitter. Criteria: CeGaT Center For Human Genetics Tuebingen Variant Classification Criteria Version 2. Collection method: clinical testing. Allele origin: germline. Affected: yes. Observed: 1 variant allele.
Comment: WDR26: PVS1, PM2

NM_001379403.1(WDR26):c.1354dup (p.Thr452fs)

Gene: WDR26 (WD repeat domain 26; minus strand). Cytogenetic location: 1q42.12.
Variant type: Duplication.
Coding change: c.1354dup on transcript NM_001379403.1 (MANE Select); coding-DNA position 1354, one base duplicated (A; older notation c.1354dupA).
Protein change: p.Thr452fs; shifts the reading frame from threonine 452.
Molecular consequence: frameshift variant.
Genome position (GRCh38, 1-based): chr1:224,411,531, T duplicated on the plus strand (A on the coding strand, the reverse complement: WDR26 is on the minus strand). VCF-style (leftmost placement, unchanged base first): chr1-224411530-G-GT. GRCh37 (hg19) VCF-style: chr1-224599232-G-GT.
Other names: c.1006dup, p.Thr336fs (NM_001115113.3); c.1054dup, p.Thr352fs (NM_025160.7); short protein forms T336fs, T352fs, T452fs.
Identifiers: ClinVar variation 3027209 (VCV003027209.22), dbSNP rs2464720573, ClinGen allele CA2740092616.